The following is an entry in ClinVar:

NM_001376256.1(CRYM):c.864C>T (p.Thr288=)

Gene: CRYM (crystallin mu; minus strand). Cytogenetic location: 16p12.2.
Variant type: single nucleotide variant.
Coding change: c.864C>T on transcript NM_001376256.1 (MANE Select); coding-DNA position 864, C replaced by T.
Protein change: p.Thr288=; no amino-acid change (threonine 288 retained).
Molecular consequence: synonymous variant.
Genome position (GRCh38, 1-based): chr16:21,261,270, G>A on the plus strand (C>T on the coding strand, the complement: CRYM is on the minus strand). VCF-style: chr16-21261270-G-A. GRCh37 (hg19) VCF-style: chr16-21272591-G-A.
Other names: c.864C>T, p.Thr288= (NM_001888.5).
Identifiers: ClinVar variation 4887195 (VCV004887195.1).
Genomic context (GRCh38, chr16:21,261,270, plus strand): 5'-TTGTGCGCTAGTTGGATTTGTGCCCAGGGAGCAATGGATCTTACCCAAAGACTTGAACAC[G>A]GTGGTCTTCTCACAGTGGGCTGGTTTCACTCCCTTAATCACTTCTCCCAGCTCAGCAAAG-3'
Protein context (NP_001363185.1, residues 278-298): GVKPAHCEKT[Thr288=]VFKSLGMAVE

ClinVar aggregate classification (germline): Likely benign (1 of 4 stars; one submission).

gnomAD v4.1: 43 of 1,613,080 alleles (0.0027%); highest among the groups gnomAD compares: Non-Finnish European, 0.0027%; no homozygotes.

Submission:

Women's Health and Genetics/Laboratory Corporation of America, LabCorp
Classification: Likely benign. Last evaluated: 2026-06-16. Review status: criteria provided, single submitter. Criteria: LabCorp Variant Classification Summary - May 2015. Collection method: clinical testing. Allele origin: germline.
Comment: Variant summary: CRYM c.864C>T alters a conserved nucleotide resulting in a synonymous change. Consensus agreement among computation tools predict no significant impact on normal splicing. However, these predictions have yet to be confirmed by functional studies. The variant allele was found at a frequency of 3.2e-05 in 251314 control chromosomes. The available data on variant occurrences in the general population are insufficient to allow any conclusion about variant significance. To our knowledge, no occurrence of c.864C>T in individuals affected with CRYM-related conditions and no experimental evidence demonstrating its impact on protein function have been reported. ClinVar contains an entry for this variant (Variation ID: 44241). Based on the evidence outlined above, the variant was classified as likely benign.